The following is an entry in ClinVar:

ClinVar aggregate classification (germline): Uncertain significance (1 of 4 stars; one submission).

Conditions:
Blau syndrome (BLAUS). Also called: GRANULOMATOUS INFLAMMATORY ARTHRITIS, DERMATITIS, AND UVEITIS, FAMILIAL; JABS SYNDROME; ARTHROCUTANEOUVEAL GRANULOMATOSIS; GRANULOMATOSIS, FAMILIAL JUVENILE SYSTEMIC; GRANULOMATOSIS, FAMILIAL, BLAU TYPE. Identifiers: Orphanet 90340, MedGen C5201146, MONDO:0008523, OMIM 186580.
Regional enteritis. Also called: Enteritis, Granulomatous. Identifiers: MedGen C0678202, MeSH D003424.

Allele frequency attached by ClinVar (database versions not stated): gnomAD 0.00001; TOPMed 0.00002; gnomAD exomes 0.00003; ESP Exome Variant Server 0.00008.
gnomAD v4.1: 53 of 1,607,092 alleles (0.0033%); highest among the groups gnomAD compares: Non-Finnish European, 0.0036%; no homozygotes.

Submission:

Labcorp Genetics (formerly Invitae), Labcorp
Classification: Uncertain significance for Regional enteritis; Blau syndrome. Last evaluated: 2025-05-18. Review status: criteria provided, single submitter. Criteria: Invitae Variant Classification Sherloc (09022015). Collection method: clinical testing. Allele origin: germline.
Comment: This sequence change replaces proline, which is neutral and non-polar, with leucine, which is neutral and non-polar, at codon 177 of the NOD2 protein (p.Pro177Leu). This variant is present in population databases (rs144368009, gnomAD 0.005%). This variant has not been reported in the literature in individuals affected with NOD2-related conditions. ClinVar contains an entry for this variant (Variation ID: 956771). Invitae Evidence Modeling of protein sequence and biophysical properties (such as structural, functional, and spatial information, amino acid conservation, physicochemical variation, residue mobility, and thermodynamic stability) indicates that this missense variant is not expected to disrupt NOD2 protein function with a negative predictive value of 95%. In summary, the available evidence is currently insufficient to determine the role of this variant in disease. Therefore, it has been classified as a Variant of Uncertain Significance.

NM_001370466.1(NOD2):c.449C>T (p.Pro150Leu)

Gene: NOD2 (nucleotide binding oligomerization domain containing 2; plus strand). Cytogenetic location: 16q12.1.
Variant type: single nucleotide variant.
Coding change: c.449C>T on transcript NM_001370466.1 (MANE Select); coding-DNA position 449, C replaced by T.
Protein change: p.Pro150Leu; replaces proline 150 with leucine.
Molecular consequence: missense variant. On other transcripts: non-coding transcript variant (1).
Genome position (GRCh38, 1-based): chr16:50,699,944, C>T. VCF-style: chr16-50699944-C-T. GRCh37 (hg19) VCF-style: chr16-50733855-C-T.
Other names: c.449C>T, p.Pro150Leu (NM_001293557.2); c.530C>T, p.Pro177Leu (NM_022162.3); short protein forms P150L, P177L.
Identifiers: ClinVar variation 956771 (VCV000956771.10), dbSNP rs144368009, ClinGen allele CA8051298.